The following is an entry in ClinVar:

NM_001368809.2(AMPD2):c.-150G>A

Gene: AMPD2 (adenosine monophosphate deaminase 2; plus strand). Cytogenetic location: 1p13.3.
Variant type: single nucleotide variant.
Coding change: c.-150G>A on transcript NM_001368809.2 (MANE Select); 150 bases upstream of the start codon, G replaced by A.
Molecular consequence: 5 prime UTR variant. On other transcripts: intron variant (1).
Genome position (GRCh38, 1-based): chr1:109,621,026, G>A. VCF-style: chr1-109621026-G-A. GRCh37 (hg19) VCF-style: chr1-110163648-G-A.
Other names: c.-82G>A (NM_001308170.1); c.10+748G>A (NM_139156.4).
Identifiers: ClinVar variation 3777505 (VCV003777505.2).

ClinVar aggregate classification (germline): Uncertain significance. Review status: criteria provided, multiple submitters, no conflicts (2 of 4 stars). 2 submissions from 2 submitters: Uncertain significance (2). Last evaluated 2025-02-07.

Conditions:
Inborn genetic diseases. Identifiers: MedGen C0950123, MeSH D030342.

Submissions (2):

Ambry Genetics
Classification: Uncertain significance for Inborn genetic diseases. Last evaluated: 2025-02-07. Review status: criteria provided, single submitter. Criteria: Ambry Variant Classification Scheme 2023. Collection method: clinical testing. Allele origin: germline.

GeneDx
Classification: Uncertain significance. Last evaluated: 2024-10-10. Review status: criteria provided, single submitter. Criteria: GeneDx Variant Classification Process June 2021. Collection method: clinical testing. Allele origin: germline. Affected: yes.
Comment: Not observed at significant frequency in large population cohorts (gnomAD); Has not been previously published as pathogenic or benign to our knowledge; Located in a regulatory region; in the absence of functional studies, the actual effect of this sequence change is unknown